The following is an entry in ClinVar:

ClinVar aggregate classification (germline): Uncertain significance (1 of 4 stars; one submission).

Allele frequency attached by ClinVar (database versions not stated): ExAC 0.00001.
gnomAD v4.1: 1 of 1,613,740 alleles (0.000062%); highest among the groups gnomAD compares: Non-Finnish European, 0.000085%; no homozygotes.

Submission:

Labcorp Genetics (formerly Invitae), Labcorp
Classification: Uncertain significance. Last evaluated: 2021-02-16. Review status: criteria provided, single submitter. Criteria: Invitae Variant Classification Sherloc (09022015). Collection method: clinical testing. Allele origin: germline.
Comment: In summary, the available evidence is currently insufficient to determine the role of this variant in disease. Therefore, it has been classified as a Variant of Uncertain Significance. Algorithms developed to predict the effect of missense changes on protein structure and function are either unavailable or do not agree on the potential impact of this missense change (SIFT: "Deleterious"; PolyPhen-2: "Benign"; Align-GVGD: "Class C0"). This variant has not been reported in the literature in individuals with ADGRV1-related conditions. This variant is present in population databases (rs762260932, ExAC 0.001%). This sequence change replaces histidine with tyrosine at codon 426 of the ADGRV1 protein (p.His426Tyr). The histidine residue is highly conserved and there is a moderate physicochemical difference between histidine and tyrosine.

NM_032119.4(ADGRV1):c.1276C>T (p.His426Tyr)

Gene: ADGRV1 (adhesion G protein-coupled receptor V1; plus strand). Cytogenetic location: 5q14.3.
Variant type: single nucleotide variant.
Coding change: c.1276C>T on transcript NM_032119.4 (MANE Select); coding-DNA position 1276, C replaced by T.
Protein change: p.His426Tyr; replaces histidine 426 with tyrosine.
Molecular consequence: missense variant. On other transcripts: non-coding transcript variant (1).
Genome position (GRCh38, 1-based): chr5:90,628,599, C>T. VCF-style: chr5-90628599-C-T. GRCh37 (hg19) VCF-style: chr5-89924416-C-T.
Other names: short protein forms H426Y.
Identifiers: ClinVar variation 1465513 (VCV001465513.6), dbSNP rs762260932, ClinGen allele CA3338660.